The following is an entry in ClinVar:

ClinVar aggregate classification (germline): Likely pathogenic (1 of 4 stars; one submission).

Allele frequency attached by ClinVar (database versions not stated): gnomAD exomes 0.00001.
gnomAD v4.1: 13 of 1,614,178 alleles (0.00081%); highest among the groups gnomAD compares: South Asian, 0.0011%; no homozygotes.

Submission:

GeneDx
Classification: Likely pathogenic. Last evaluated: 2015-05-14. Review status: criteria provided, single submitter. Criteria: GeneDx Variant Classification (06012015). Collection method: clinical testing. Allele origin: germline. Affected: yes.
Comment: The I24T variant in the DDC gene has not been published as a pathogenic variant, nor has it been reported as a benign polymorphism to our knowledge. The I24T variant was not observed in approximately 6,500 individuals of European and African American ancestry in the NHLBI Exome Sequencing Project, indicating it is not a common benign variant in these populations. The I24T variant is a non-conservative amino acid substitution, which is likely to impact secondary protein structure as these residues differ in polarity, charge, size and/or other properties. This substitution occurs at a position where amino acids with similar properties to Isoleucine are tolerated across species. In silico analysis predicts this variant is probably damaging to the protein structure/function. Missense variants in nearby residues (E25K and V33L) have been reported in the Human Gene Mutation Database in association with AADC deficiency (Stenson et al., 2014), supporting the functional importance of this region of the protein. We interpret I24T as a variant, likely pathogenic

NM_001082971.2(DDC):c.71T>C (p.Ile24Thr)

Gene: DDC (dopa decarboxylase; minus strand). Cytogenetic location: 7p12.1.
Variant type: single nucleotide variant.
Coding change: c.71T>C on transcript NM_001082971.2 (MANE Select); coding-DNA position 71, T replaced by C.
Protein change: p.Ile24Thr; replaces isoleucine 24 with threonine.
Molecular consequence: missense variant.
Genome position (GRCh38, 1-based): chr7:50,544,015, A>G on the plus strand (T>C on the coding strand, the complement: DDC is on the minus strand). VCF-style: chr7-50544015-A-G. GRCh37 (hg19) VCF-style: chr7-50611713-A-G.
Other names: c.71T>C, p.Ile24Thr (NM_000790.4, NM_001242886.2, NM_001242887.2 and 3 more transcripts); short protein forms I24T.
Identifiers: ClinVar variation 427155 (VCV000427155.2), dbSNP rs1085307991, ClinGen allele CA367532085.